The following is an entry in ClinVar:

ClinVar aggregate classification (germline): Uncertain significance (1 of 4 stars; one submission).

Submission:

GeneDx
Classification: Uncertain significance. Last evaluated: 2024-10-09. Review status: criteria provided, single submitter. Criteria: GeneDx Variant Classification Process June 2021. Collection method: clinical testing. Allele origin: germline. Affected: yes.
Comment: Not observed at significant frequency in large population cohorts (gnomAD); In silico analysis supports that this missense variant has a deleterious effect on protein structure/function; Has not been previously published as pathogenic or benign to our knowledge.

NM_006662.3(SRCAP):c.5627C>A (p.Pro1876His)

Gene: SRCAP (Snf2 related CREBBP activator protein; plus strand). Cytogenetic location: 16p11.2.
Variant type: single nucleotide variant.
Coding change: c.5627C>A on transcript NM_006662.3 (MANE Select); coding-DNA position 5627, C replaced by A.
Protein change: p.Pro1876His; replaces proline 1876 with histidine.
Molecular consequence: missense variant.
Genome position (GRCh38, 1-based): chr16:30,725,051, C>A. VCF-style: chr16-30725051-C-A. GRCh37 (hg19) VCF-style: chr16-30736372-C-A.
Other names: short protein forms P1876H.
Identifiers: ClinVar variation 3777630 (VCV003777630.1).